The following is an entry in ClinVar:

NM_213655.5(WNK1):c.2952del (p.Glu984fs)

Gene: WNK1 (WNK lysine deficient protein kinase 1; plus strand). Cytogenetic location: 12p13.33.
Variant type: Deletion.
Coding change: c.2952del on transcript NM_213655.5 (MANE Plus Clinical); coding-DNA position 2952, one base deleted (A; older notation c.2952delA).
Protein change: p.Glu984fs; shifts the reading frame from glutamic acid 984.
Molecular consequence: frameshift variant. On other transcripts: intron variant (2).
Genome position (GRCh38, 1-based): chr12:868,423, A deleted; the last of 2 consecutive A bases (chr12:868,422-868,423); deleting either gives the same sequence. VCF-style (leftmost placement, unchanged base first): chr12-868421-GA-G. GRCh37 (hg19) VCF-style: chr12-977587-GA-G.
Other names: c.2952delA (NM_213655.5); c.2697delA (NM_001184985.1); c.2697del, p.Glu899fs (NM_001184985.2); c.2140-2842del (NM_018979.4, NM_014823.3); short protein forms E899fs, E984fs.
Identifiers: ClinVar variation 21269 (VCV000021269.9), dbSNP rs137852734, ClinGen allele CA341822.

ClinVar aggregate classification (germline): Pathogenic. Review status: criteria provided, single submitter (1 of 4 stars). 3 submissions from 3 submitters: Pathogenic (1). 2 of the submissions do not count toward it. Last evaluated 2021-08-19.

Conditions:
Neuropathy, hereditary sensory and autonomic, type 2A (HSAN2A). Also called: MORVAN DISEASE; NEUROPATHY, CONGENITAL SENSORY; NEUROPATHY, HEREDITARY SENSORY RADICULAR, AUTOSOMAL RECESSIVE; NEUROPATHY, HEREDITARY SENSORY, TYPE IIA; NEUROPATHY, PROGRESSIVE SENSORY, OF CHILDREN; WNK1-Related HSAN2 (HSAN2A). Identifiers: Orphanet 970, MedGen C2752089, MONDO:0024309, OMIM 201300.
Pseudohypoaldosteronism type 2C (PHA2C). Also called: Pseudohypoaldosteronism Type IIC. Identifiers: Orphanet 757, Orphanet 88940, MedGen C1840391, MONDO:0013778, OMIM 614492.

Submissions (3):

Labcorp Genetics (formerly Invitae), Labcorp
Classification: Pathogenic for Neuropathy, hereditary sensory and autonomic, type 2A; Pseudohypoaldosteronism type 2C. Last evaluated: 2021-08-19. Review status: criteria provided, single submitter. Criteria: Invitae Variant Classification Sherloc (09022015). Collection method: clinical testing. Allele origin: germline.
Comment: For these reasons, this variant has been classified as Pathogenic. ClinVar contains an entry for this variant (Variation ID: 21269). This premature translational stop signal has been observed in individual(s) with hereditary sensory and autonomic neuropathy (PMID: 15060842). It has also been observed to segregate with disease in related individuals. This variant is not present in population databases (ExAC no frequency). This sequence change creates a premature translational stop signal (p.Glu984Aspfs*10) in the WNK1 gene. It is expected to result in an absent or disrupted protein product. Loss-of-function variants in WNK1 are known to be pathogenic (PMID: 22910560).

OMIM
Classification: Pathogenic for NEUROPATHY, HEREDITARY SENSORY, TYPE IIA. Last evaluated: 2004-05-01. Review status: no assertion criteria provided. Collection method: literature only. Allele origin: germline. Not counted in ClinVar's aggregate classification.

GeneReviews
No classification provided. Condition: Neuropathy, hereditary sensory and autonomic, type 2A. Review status: no classification provided. Collection method: literature only. Allele origin: germline. Not counted in ClinVar's aggregate classification.
Comment: French Canadian founder variants

Literature cited by the submitters: PubMed 15060842 (cited by Labcorp Genetics (formerly Invitae), Labcorp and OMIM); PubMed 22910560 (cited by Labcorp Genetics (formerly Invitae), Labcorp); PubMed 15911806 (cited by GeneReviews); PubMed 21089229 (cited by GeneReviews).